The following is an entry in ClinVar:

ClinVar aggregate classification (germline): Uncertain significance. Review status: criteria provided, multiple submitters, no conflicts (2 of 4 stars). 2 submissions from 2 submitters: Uncertain significance (2). Last evaluated 2025-05-22.

Conditions:
Hereditary cancer-predisposing syndrome. Also called: Hereditary neoplastic syndrome; Neoplastic Syndromes, Hereditary; Tumor predisposition; Hereditary Cancer Syndrome. Identifiers: Orphanet 140162, MedGen C0027672, MeSH D009386, MONDO:0015356.
Hereditary breast ovarian cancer syndrome. Also called: Hereditary breast and/or ovarian cancer syndrome; Hereditary breast and ovarian cancer syndrome; Hereditary breast and ovarian cancer; Hereditary breast and ovarian cancer syndrome (HBOC); Breast and ovarian cancer; BRCA1- and BRCA2-Associated Hereditary Breast and Ovarian Cancer. Identifiers: Orphanet 145, MedGen C0677776, MeSH D061325, MONDO:0003582. Disease mechanism: loss of function.

Submissions (2):

Ambry Genetics
Classification: Uncertain significance for Hereditary cancer-predisposing syndrome. Last evaluated: 2025-05-22. Review status: criteria provided, single submitter. Criteria: Ambry Variant Classification Scheme 2023. Collection method: clinical testing. Allele origin: germline.
Comment: The p.D1582G variant (also known as c.4745A>G), located in coding exon 14 of the BRCA1 gene, results from an A to G substitution at nucleotide position 4745. The aspartic acid at codon 1582 is replaced by glycine, an amino acid with similar properties. This alteration was identified in an individual diagnosed with breast cancer (Ou J et al. J Breast Cancer, 2013 Mar;16:50-4). Of note, this alteration is also known as 4864A>G in published literature. This amino acid position is well conserved in available vertebrate species. In addition, the in silico prediction for this alteration is inconclusive. Based on the available evidence, the clinical significance of this variant remains unclear.

Labcorp Genetics (formerly Invitae), Labcorp
Classification: Uncertain significance for Hereditary breast ovarian cancer syndrome. Last evaluated: 2022-02-18. Review status: criteria provided, single submitter. Criteria: Invitae Variant Classification Sherloc (09022015). Collection method: clinical testing. Allele origin: germline.
Comment: This sequence change replaces aspartic acid, which is acidic and polar, with glycine, which is neutral and non-polar, at codon 1582 of the BRCA1 protein (p.Asp1582Gly). This variant is not present in population databases (gnomAD no frequency). This variant has not been reported in the literature in individuals affected with BRCA1-related conditions. Advanced modeling of protein sequence and biophysical properties (such as structural, functional, and spatial information, amino acid conservation, physicochemical variation, residue mobility, and thermodynamic stability) performed at Invitae indicates that this missense variant is not expected to disrupt BRCA1 protein function. In summary, the available evidence is currently insufficient to determine the role of this variant in disease. Therefore, it has been classified as a Variant of Uncertain Significance.

Literature cited by the submitters: PubMed 23593081 (cited by Ambry Genetics).

NM_007294.4(BRCA1):c.4745A>G (p.Asp1582Gly)

Gene: BRCA1 (BRCA1 DNA repair associated; minus strand). Cytogenetic location: 17q21.31.
Variant type: single nucleotide variant.
Coding change: c.4745A>G on transcript NM_007294.4 (MANE Select); coding-DNA position 4745, A replaced by G.
Protein change: p.Asp1582Gly; replaces aspartic acid 1582 with glycine.
Molecular consequence: missense variant. On other transcripts: non-coding transcript variant (1).
Genome position (GRCh38, 1-based): chr17:43,071,169, T>C on the plus strand (A>G on the coding strand, the complement: BRCA1 is on the minus strand). VCF-style: chr17-43071169-T-C. GRCh37 (hg19) VCF-style: chr17-41223186-T-C.
Other names: c.4604A>G, p.Asp1535Gly (NM_001407697.1, NM_001407698.1, NM_001407724.1 and 13 more transcripts); c.4532A>G, p.Asp1511Gly (NM_001407571.1, NM_001407894.1, NM_001407895.1 and 12 more transcripts); c.4811A>G, p.Asp1604Gly (NM_001407581.1, NM_001407582.1); c.4808A>G, p.Asp1603Gly (NM_001407583.1, NM_001407585.1, NM_001407587.1 and 1 more transcripts); c.4805A>G, p.Asp1602Gly (NM_001407590.1, NM_001407591.1); c.4745A>G, p.Asp1582Gly (NM_001407593.1, NM_001407594.1, NM_001407596.1 and 8 more transcripts); c.4742A>G, p.Asp1581Gly (NM_001407610.1, NM_001407611.1, NM_001407612.1 and 17 more transcripts); c.4739A>G, p.Asp1580Gly (NM_001407627.1, NM_001407628.1, NM_001407629.1 and 14 more transcripts); and 70 more; short protein forms D1454G, D1455G, D1471G, D1510G, D1512G, D1533G, D1554G, D1577G.
Identifiers: ClinVar variation 2098260 (VCV002098260.5), dbSNP rs2153878044, ClinGen allele CA10592019.